The following is an entry in ClinVar:

NM_000166.6(GJB1):c.305A>G (p.Glu102Gly)

Gene: GJB1 (gap junction protein beta 1; plus strand). Cytogenetic location: Xq13.1.
Variant type: single nucleotide variant.
Coding change: c.305A>G on transcript NM_000166.6 (MANE Select); coding-DNA position 305, A replaced by G.
Protein change: p.Glu102Gly; replaces glutamic acid 102 with glycine.
Molecular consequence: missense variant.
Genome position (GRCh38, 1-based): chrX:71,224,012, A>G. VCF-style: chrX-71224012-A-G. GRCh37 (hg19) VCF-style: chrX-70443862-A-G.
Other names: c.305A>G, p.Glu102Gly (NM_001097642.3); short protein forms E102G.
Identifiers: ClinVar variation 216038 (VCV000216038.29), dbSNP rs779696968, ClinGen allele CA339218.

ClinVar aggregate classification (germline): Pathogenic. Review status: criteria provided, multiple submitters, no conflicts (2 of 4 stars). 8 submissions from 8 submitters: Pathogenic (7). 1 of the submissions does not count toward it. Last evaluated 2025-11-03.

Conditions:
Inborn genetic diseases. Identifiers: MedGen C0950123, MeSH D030342.
Charcot-Marie-Tooth disease. Also called: Charcot-Marie-Tooth Hereditary Neuropathy; Charcot-Marie-Tooth Neuropathy. Identifiers: Orphanet 166, MedGen C0007959, MONDO:0015626.
Charcot-Marie-Tooth Neuropathy X. Identifiers: MedGen CN118851.
Charcot-Marie-Tooth disease X-linked dominant 1. Also called: CHARCOT-MARIE-TOOTH NEUROPATHY, X-LINKED, 1; CHARCOT-MARIE-TOOTH PERONEAL MUSCULAR ATROPHY, X-LINKED; GJB1 Disorders: Charcot-Marie-Tooth Neuropathy (CMT1X) and Central Nervous System Phenotypes; HEREDITARY MOTOR AND SENSORY NEUROPATHY, X-LINKED; HMSN, X-LINKED; Charcot-Marie-Tooth Neuropathy X Type 1. Identifiers: Orphanet 101075, MedGen C0393808, MONDO:0010549, OMIM 302800.

Allele frequency attached by ClinVar (database versions not stated): TOPMed below 0.00001; gnomAD 0.00001; gnomAD exomes 0.00001; ExAC 0.00002.

Submissions (8):

Labcorp Genetics (formerly Invitae), Labcorp
Classification: Pathogenic for Charcot-Marie-Tooth Neuropathy X. Last evaluated: 2025-11-03. Review status: criteria provided, single submitter. Criteria: Invitae Variant Classification Sherloc (09022015). Collection method: clinical testing. Allele origin: germline.
Comment: This sequence change replaces glutamic acid, which is acidic and polar, with glycine, which is neutral and non-polar, at codon 102 of the GJB1 protein (p.Glu102Gly). The frequency data for this variant in the population databases is considered unreliable, as metrics indicate poor data quality at this position in the gnomAD database. This missense change has been observed in individuals with X-linked Charcot-Marie-Tooth disease (CMT) (PMID: 8004109, 14627639, 17353473, 25614874). ClinVar contains an entry for this variant (Variation ID: 216038). Invitae Evidence Modeling of protein sequence and biophysical properties (such as structural, functional, and spatial information, amino acid conservation, physicochemical variation, residue mobility, and thermodynamic stability) has been performed for this missense variant. However, the output from this modeling did not meet the statistical confidence thresholds required to predict the impact of this variant on GJB1 protein function. Experimental studies have shown that this missense change affects GJB1 function (PMID: 9354338, 9469571, 9592087, 14627639). For these reasons, this variant has been classified as Pathogenic.

Women's Health and Genetics/Laboratory Corporation of America, LabCorp
Classification: Pathogenic for Charcot-Marie-Tooth disease X-linked dominant 1. Last evaluated: 2025-04-14. Review status: criteria provided, single submitter. Criteria: LabCorp Variant Classification Summary - May 2015. Collection method: clinical testing. Allele origin: germline.
Comment: Variant summary: GJB1 c.305A>G (p.Glu102Gly) results in a non-conservative amino acid change in the encoded protein sequence. Five of five in-silico tools predict a damaging effect of the variant on protein function. The variant allele was found at a frequency of 1.2e-05 in 169210 control chromosomes (gnomAD). c.305A>G has been observed in multiple individuals affected with Charcot-Marie-Tooth disease X-linked dominant 1 (Ionasescu_1998, Record_2023). These data indicate that the variant is very likely to be associated with disease. Two publications reported experimental evidence evaluating an impact on protein function and this variant affected the GJB1 protein function (Oh_1997, Ressot_1998). The following publications have been ascertained in the context of this evaluation (PMID: 10873293, 9354338, 37284795, 9592087). ClinVar contains an entry for this variant (Variation ID: 216038). Based on the evidence outlined above, the variant was classified as pathogenic.

ARUP Laboratories, Molecular Genetics and Genomics, ARUP Laboratories
Classification: Pathogenic for Charcot-Marie-Tooth disease X-linked dominant 1. Last evaluated: 2024-12-19. Review status: criteria provided, single submitter. Criteria: ARUP Molecular Germline Variant Investigation Process 2024. Collection method: clinical testing. Allele origin: germline.
Comment: The GJB1 c.305A>G; p.Glu102Gly variant (rs779696968) is described in the literature in individuals and families with Charcot-Marie-Tooth (CMT) and is reported as a frequently detected variant in individuals with CMT (Cortese 2020, DiVincenzo 2014, Ionasescu 1994). The variant is reported as pathogenic by several sources in the ClinVar database (Variation ID: 216038) and is only observed on two alleles in the Genome Aggregation Database, indicating it is not a common polymorphism. The amino acid at this position is highly conserved computational analyses predict that this variant is deleterious (REVEL: 0.877). In support of this prediction, functional studies show this variant alters the voltage-gating, resulting in increased sensitivity to intracellular acidification (Abrams 2003, Ressot 1998). Based on available information, this variant is classified as pathogenic. References: Abrams CK et al Pathogenesis of X-linked Charcot-Marie-Tooth disease: differential effects of two mutations in connexin 32. J Neurosci. 2003 Nov 19;23(33):10548-58. PMID: 14627639. Cortese A et al. Targeted next-generation sequencing panels in the diagnosis of Charcot-Marie-Tooth disease. Neurology. 2020 Jan 7;94(1):e51-e61. PMID: 31827005. DiVincenzo C et al. The allelic spectrum of Charcot-Marie-Tooth disease in over 17,000 individuals with neuropathy. Mol Genet Genomic Med. 2014 Nov;2(6):522-9. PMID: 25614874. Ionasescu V et al. Point mutations of the connexin32 (GJB1) gene in X-linked dominant Charcot-Marie-Tooth neuropathy. Hum Mol Genet. 1994 Feb;3(2):355-8. 8004109. Ressot C et al. Connexin32 mutations associated with X-linked Charcot-Marie-Tooth disease show two distinct behaviors: loss of function and altered gating properties. J Neurosci. 1998 Jun 1;18(11):4063-75. PMID: 9592087

Mayo Clinic Laboratories, Mayo Clinic
Classification: Pathogenic. Last evaluated: 2024-09-17. Review status: criteria provided, single submitter. Criteria: ACMG Guidelines, 2015. Collection method: clinical testing. Allele origin: germline.
Comment: PS3, PS4

Ambry Genetics
Classification: Pathogenic for Inborn genetic diseases. Last evaluated: 2024-01-04. Review status: criteria provided, single submitter. Criteria: Ambry Variant Classification Scheme 2023. Collection method: clinical testing. Allele origin: germline.
Comment: The p.E102G variant (also known as c.305A>G), located in coding exon 1 of the GJB1 gene, results from an A to G substitution at nucleotide position 305. The glutamic acid at codon 102 is replaced by glycine, an amino acid with similar properties. This variant has been reported in multiple unrelated individuals affected with X-linked Charcot-Marie-Tooth disease (CMT) and was confirmed de novo in one individual as well as shown to segregate with the disease in another family (Ionasescu V et al. Hum. Mol. Genet., 1994 Feb;3:355-8; Ionasescu VV. Cell Biol. Int., 1998 Nov;22:807-13; Sahenk Z et al. J. Neurosci. Res., 1998 Jan;51:174-84; Boerkoel CF et al. Ann. Neurol., 2002 Feb;51:190-201; Abrams CK et al. J. Neurosci., 2003 Nov;23:10548-58; Siskind CE et al. J Peripher Nerv Syst, 2011 Jun;16:102-7; Record CJ et al. Brain, 2023 Oct;146:4336-4349). Experimental studies have shown that nerve xenografts from the patients with E102G showed altered Schwann cell membrane composition/organization, leading to axonal abnormalities (Sahenk Z et al. J. Neurosci. Res., 1998 Jan;51:174-84). Moreover, studies using Xenopus oocytes showed that this variant increased sensitivity of channels to intracellular acidification, affecting junctional conductance (Oh S et al. Neuron, 1997 Oct;19:927-38; Sahenk Z et al. J. Neurosci. Res., 1998 Jan;51:174-84; Ressot C et al. J. Neurosci., 1998 Jun;18:4063-75; Abrams CK et al. J. Neurosci., 2003 Nov;23:10548-58). This amino acid position is well conserved in available vertebrate species. In addition, this alteration is predicted to be deleterious by in silico analysis. Based on the supporting evidence, this alteration is interpreted as a disease-causing mutation.

Athena Diagnostics
Classification: Pathogenic. Last evaluated: 2023-05-18. Review status: criteria provided, single submitter. Criteria: Athena Diagnostics Criteria. Collection method: clinical testing. Allele origin: unknown.
Comment: The frequency of this variant in the general population is consistent with pathogenicity. This variant occurs as the most likely explanation for disease in a significant number of cases, suggesting this variant is associated with disease. This variant has frequently been reported to result in a milder phenotype in patients when compared to complete loss-of-function variants (PMID: 8737658, 14627639, 27228968). In some published literature, this variant is referred to as 367A>G. Assessment of experimental evidence suggests this variant results in abnormal protein function. In functional studies, this variant formed channels, but these displayed abnormal voltage gating and dysfunction during acidification (consistent with the milder phenotype reported), as well as lower myelinated fiber density (PMID: 9592087, 14627639).

GeneDx
Classification: Pathogenic. Last evaluated: 2022-10-05. Review status: criteria provided, single submitter. Criteria: GeneDx Variant Classification Process June 2021. Collection method: clinical testing. Allele origin: germline. Affected: yes.
Comment: Published functional studies demonstrate a damaging effect (homotypic channels differ from wild type in sensitivity and time course; impairs modulatory function of Schwann cells on axons, resulting in profound cytoskeletal alterations leading to distal axonal degeneration) (Ressot et al., 1998; Sahenk et al., 1998); Missense variants in this gene are often considered pathogenic (HGMD); In silico analysis supports that this missense variant has a deleterious effect on protein structure/function; This variant is associated with the following publications: (PMID: 9354338, 22771394, 25614874, 8004109, 9592087, 8737658, 17353473, 14627639, 9469571, 31827005, 11835375, 10873293)

Inherited Neuropathy Consortium
Classification: Uncertain significance for Charcot-Marie-Tooth disease. Review status: no assertion criteria provided. Collection method: literature only. Allele origin: germline. Affected: yes. Not counted in ClinVar's aggregate classification.

Literature cited by the submitters: PubMed 8004109 (cited by 4 submitters); PubMed 14627639 (cited by 3 submitters); PubMed 17353473 (cited by Labcorp Genetics (formerly Invitae), Labcorp and Athena Diagnostics); PubMed 25614874 (cited by Labcorp Genetics (formerly Invitae), Labcorp and Athena Diagnostics); PubMed 9354338 (cited by 4 submitters); PubMed 9469571 (cited by 3 submitters); PubMed 9592087 (cited by 4 submitters); PubMed 37284795 (cited by 3 submitters); PubMed 10873293 (cited by Women's Health and Genetics/Laboratory Corporation of America, LabCorp and Ambry Genetics); PubMed 31827005 (cited by Mayo Clinic Laboratories, Mayo Clinic); PubMed 11835375 (cited by Ambry Genetics and Athena Diagnostics); PubMed 21692908 (cited by Ambry Genetics); PubMed 8737658 (cited by Athena Diagnostics); PubMed 28768847 (cited by Athena Diagnostics); PubMed 27228968 (cited by Athena Diagnostics).